The following is an entry in ClinVar:

ClinVar aggregate classification (germline): Pathogenic (1 of 4 stars; one submission).

Submission:

Labcorp Genetics (formerly Invitae), Labcorp
Classification: Pathogenic. Last evaluated: 2023-06-10. Review status: criteria provided, single submitter. Criteria: Invitae Variant Classification Sherloc (09022015). Collection method: clinical testing. Allele origin: unknown.
Comment: For these reasons, this variant has been classified as Pathogenic. A similar copy number variant has been observed in individual(s) with microvillus inclusion disease (PMID: 34816459). This variant is a gross deletion of the genomic region encompassing exon(s) 11-12 of the MYO5B gene. This deletion is out-of-frame, and is expected to create a premature termination codon and result in an absent or disrupted protein product. Loss-of-function variants in MYO5B are known to be pathogenic (PMID: 18724368, 20186687).

Literature cited by the submitters: PubMed 34816459; PubMed 18724368; PubMed 20186687.

NC_000018.9:g.(?_47488616)_(47489420_?)del

Gene: MYO5B (myosin VB; minus strand). Cytogenetic location: 18q21.1.
Variant type: Deletion.
Identifiers: ClinVar variation 3242789 (VCV003242789.1).